The following is an entry in ClinVar:

NM_001165963.4(SCN1A):c.73A>T (p.Ile25Phe)

Gene: SCN1A (sodium voltage-gated channel alpha subunit 1; minus strand). Cytogenetic location: 2q24.3.
Variant type: single nucleotide variant.
Coding change: c.73A>T on transcript NM_001165963.4 (MANE Select); coding-DNA position 73, A replaced by T.
Protein change: p.Ile25Phe; replaces isoleucine 25 with phenylalanine.
Molecular consequence: missense variant. On other transcripts: 5 prime UTR variant (1), non-coding transcript variant (1).
Genome position (GRCh38, 1-based): chr2:166,073,549, T>A on the plus strand (A>T on the coding strand, the complement: SCN1A is on the minus strand). VCF-style: chr2-166073549-T-A. GRCh37 (hg19) VCF-style: chr2-166930059-T-A.
Other names: c.73A>T, p.Ile25Phe (NM_001165964.3, NM_001202435.3, NM_001353948.2 and 10 more transcripts); c.-2353A>T (NM_001353961.2); short protein forms I25F.
Identifiers: ClinVar variation 1683903 (VCV001683903.2), dbSNP rs2105983873, ClinGen allele CA349243341.

ClinVar aggregate classification (germline): Uncertain significance (1 of 4 stars; one submission).

Submission:

GeneDx
Classification: Uncertain significance. Last evaluated: 2021-11-08. Review status: criteria provided, single submitter. Criteria: GeneDx Variant Classification Process June 2021. Collection method: clinical testing. Allele origin: germline. Affected: yes.
Comment: Not observed at significant frequency in large population cohorts (gnomAD); Missense variants in this gene are often considered pathogenic (HGMD); In silico analysis supports that this missense variant has a deleterious effect on protein structure/function; Has not been previously published as pathogenic or benign to our knowledge; Found within the N-terminal cytoplasmic domain